The following is an entry in ClinVar:

ClinVar aggregate classification (germline): Uncertain significance. Review status: criteria provided, multiple submitters, no conflicts (2 of 4 stars). 2 submissions from 2 submitters: Uncertain significance (2). Last evaluated 2025-12-29.

Conditions:
Hereditary nonpolyposis colorectal neoplasms. Identifiers: MedGen C0009405, MeSH D003123.

Submissions (2):

Center for Genomic Medicine, Rigshospitalet, Copenhagen University Hospital
Classification: Uncertain significance. Last evaluated: 2025-12-29. Review status: criteria provided, single submitter. Criteria: ACMG Guidelines, 2015. Collection method: clinical testing. Allele origin: germline.
Comment: Classification criteria: BP4, PM2_Supporting,

Labcorp Genetics (formerly Invitae), Labcorp
Classification: Uncertain significance for Hereditary nonpolyposis colorectal neoplasms. Last evaluated: 2020-07-27. Review status: criteria provided, single submitter. Criteria: Invitae Variant Classification Sherloc (09022015). Collection method: clinical testing. Allele origin: germline.
Comment: This variant has not been reported in the literature in individuals with PMS2-related conditions. This variant is not present in population databases (ExAC no frequency). This sequence change replaces aspartic acid with histidine at codon 364 of the PMS2 protein (p.Asp364His). The aspartic acid residue is weakly conserved and there is a moderate physicochemical difference between aspartic acid and histidine. In summary, the available evidence is currently insufficient to determine the role of this variant in disease. Therefore, it has been classified as a Variant of Uncertain Significance. Algorithms developed to predict the effect of missense changes on protein structure and function are either unavailable or do not agree on the potential impact of this missense change (SIFT: "Deleterious"; PolyPhen-2: "Possibly Damaging"; Align-GVGD: "Class C0").

NM_000535.7(PMS2):c.1090G>C (p.Asp364His)

Gene: PMS2 (PMS1 homolog 2, mismatch repair system component; minus strand). Cytogenetic location: 7p22.1.
Variant type: single nucleotide variant.
Coding change: c.1090G>C on transcript NM_000535.7 (MANE Select); coding-DNA position 1090, G replaced by C.
Protein change: p.Asp364His; replaces aspartic acid 364 with histidine.
Molecular consequence: missense variant. On other transcripts: non-coding transcript variant (1), intron variant (2).
Genome position (GRCh38, 1-based): chr7:5,989,854, C>G on the plus strand (G>C on the coding strand, the complement: PMS2 is on the minus strand). VCF-style: chr7-5989854-C-G. GRCh37 (hg19) VCF-style: chr7-6029485-C-G.
Other names: c.685G>C, p.Asp229His (NM_001322003.2, NM_001322004.2, NM_001322005.2 and 1 more transcripts); c.772G>C, p.Asp258His (NM_001322007.2, NM_001322008.2); c.157G>C, p.Asp53His (NM_001322011.2, NM_001322012.2); c.517G>C, p.Asp173His (NM_001322013.2); c.1090G>C, p.Asp364His (NM_001322014.2); c.781G>C, p.Asp261His (NM_001322015.2); c.583+2119G>C (NM_001322010.2); c.988+2119G>C (NM_001322006.2); short protein forms D173H, D229H, D258H, D261H, D364H, D53H.
Identifiers: ClinVar variation 1054422 (VCV001054422.10), dbSNP rs2128747657, ClinGen allele CA366742830.
Genomic context (GRCh38, chr7:5,989,854, plus strand): 5'-TCTTACCTTCAACATCCAGCAGTGGCTGCTGACTGACATTTAGCTTGTTGACATCACTAT[C>G]AAACATTCCTATCAAAGAGGTCTTTAAAACTGCCAACAAAAGCTTTTCCTCTTGTAGCAA-3'
Protein context (NP_000526.2, residues 354-374): VLKTSLIGMF[Asp364His]SDVNKLNVSQ